The following is an entry in ClinVar:

NM_000051.4(ATM):c.7288C>A (p.His2430Asn)

Genes: ATM (ATM serine/threonine kinase; plus strand), C11orf65 (chromosome 11 open reading frame 65; minus strand). Cytogenetic location: 11q22.3.
Variant type: single nucleotide variant.
Coding change: c.7288C>A on transcript NM_000051.4 (MANE Select); coding-DNA position 7288, C replaced by A.
Protein change: p.His2430Asn; replaces histidine 2430 with asparagine.
Molecular consequence: missense variant. On other transcripts: intron variant (2).
Genome position (GRCh38, 1-based): chr11:108,329,219, C>A. VCF-style: chr11-108329219-C-A. GRCh37 (hg19) VCF-style: chr11-108199946-C-A.
Other names: c.7288C>A, p.His2430Asn (NM_001351834.2); c.641-20148G>T (NM_001330368.2); c.*38+6001G>T (NM_001351110.2); short protein forms H2430N.
Identifiers: ClinVar variation 1047628 (VCV001047628.9), dbSNP rs2086000435, ClinGen allele CA382559802.
Genomic context (GRCh38, chr11:108,329,219, plus strand): 5'-TTTGAAAACAAGCAAGCTCTCCTGAAAAGAGCCAAAGAGGAAGTAGGTCTCCTTAGGGAA[C>A]ATAAAATTCAGACAAACAGGTAACTAGGTTTCTACAAGTGACAATTTTATGTTCACCAGT-3'
Protein context (NP_000042.3, residues 2420-2440): AKEEVGLLRE[His2430Asn]KIQTNRYTVK

ClinVar aggregate classification (germline): Uncertain significance (1 of 4 stars; one submission).

Conditions:
Ataxia-telangiectasia syndrome (AT). Also called: Ataxia telangiectasia (A-T); ATAXIA-TELANGIECTASIA, COMPLEMENTATION GROUP A; ATAXIA-TELANGIECTASIA, FRESNO VARIANT; Ataxia-telangiectasia; Ataxia-telangiectasia, complementation group E; LOUIS-BAR SYNDROME. Identifiers: Orphanet 100, MedGen C0004135, MONDO:0008840, OMIM 208900.

Submission:

Labcorp Genetics (formerly Invitae), Labcorp
Classification: Uncertain significance for Ataxia-telangiectasia syndrome. Last evaluated: 2020-06-06. Review status: criteria provided, single submitter. Criteria: Invitae Variant Classification Sherloc (09022015). Collection method: clinical testing. Allele origin: germline.
Comment: This sequence change replaces histidine with asparagine at codon 2430 of the ATM protein (p.His2430Asn). The histidine residue is moderately conserved and there is a small physicochemical difference between histidine and asparagine. This variant is not present in population databases (ExAC no frequency). This variant has not been reported in the literature in individuals with ATM-related conditions. Algorithms developed to predict the effect of missense changes on protein structure and function are either unavailable or do not agree on the potential impact of this missense change (SIFT: "Tolerated"; PolyPhen-2: "Possibly Damaging"; Align-GVGD: "Class C0"). In summary, the available evidence is currently insufficient to determine the role of this variant in disease. Therefore, it has been classified as a Variant of Uncertain Significance.